The following is an entry in ClinVar:

ClinVar aggregate classification (germline): Uncertain significance (1 of 4 stars; one submission).

gnomAD v4.1: 1 of 1,611,828 alleles (0.000062%); highest among the groups gnomAD compares: African/African-American, 0.0013%; no homozygotes.

Submission:

Women's Health and Genetics/Laboratory Corporation of America, LabCorp
Classification: Uncertain significance. Last evaluated: 2024-10-01. Review status: criteria provided, single submitter. Criteria: LabCorp Variant Classification Summary - May 2015. Collection method: clinical testing. Allele origin: germline.
Comment: Variant summary: TTN c.64589G>C (p.Gly21530Ala) results in a non-conservative amino acid change located in the A-band domain of the encoded protein sequence. Four of four in-silico tools predict a damaging effect of the variant on protein function. The variant was absent in 248116 control chromosomes (gnomAD). The available data on variant occurrences in the general population are insufficient to allow any conclusion about variant significance. To our knowledge, no occurrence of c.64589G>C in individuals affected with Limb-Girdle Muscular Dystrophy, Type 2J and no experimental evidence demonstrating its impact on protein function have been reported. No submitters have cited clinical-significance assessments for this variant to ClinVar. Based on the evidence outlined above, the variant was classified as uncertain significance.

NM_001267550.2(TTN):c.72293G>C (p.Gly24098Ala)

Genes: TTN-AS1 (TTN antisense RNA 1; plus strand), TTN (titin; minus strand). Cytogenetic location: 2q31.2.
Variant type: single nucleotide variant.
Coding change: c.72293G>C on transcript NM_001267550.2 (MANE Select); coding-DNA position 72293, G replaced by C.
Protein change: p.Gly24098Ala; replaces glycine 24098 with alanine.
Molecular consequence: missense variant.
Genome position (GRCh38, 1-based): chr2:178,573,839, C>G on the plus strand (G>C on the coding strand, the complement: TTN is on the minus strand). VCF-style: chr2-178573839-C-G. GRCh37 (hg19) VCF-style: chr2-179438566-C-G.
Other names: c.67370G>C, p.Gly22457Ala (NM_001256850.1); c.45098G>C, p.Gly15033Ala (NM_003319.4); c.64589G>C, p.Gly21530Ala (NM_133378.4); c.45473G>C, p.Gly15158Ala (NM_133432.3); c.45674G>C, p.Gly15225Ala (NM_133437.4); short protein forms G15033A, G15158A, G15225A, G21530A, G22457A, G24098A.
Identifiers: ClinVar variation 3385002 (VCV003385002.1).